The following is an entry in ClinVar:

ClinVar aggregate classification (germline): Uncertain significance. Review status: criteria provided, single submitter (1 of 4 stars). 2 submissions from 2 submitters: Uncertain significance (1). 1 of the submissions does not count toward it. Last evaluated 2021-06-23.

Conditions:
Usher syndrome type 1B (USH1B). Also called: Usher syndrome type IB. Identifiers: MedGen C1848638, MONDO:0700087.
Hepatomegaly. Identifiers: MedGen C0019209, HP:0002240.
Global developmental delay (DD). Also called: Cognitive delay. Identifiers: MedGen C0557874, HP:0001263. Disease mechanism: loss of function.
Hypoglycemia. Identifiers: MedGen C0020615, MONDO:0004946, HP:0001943.
Sensorineural hearing loss disorder. Also called: Sensorineural hearing loss; Sensorineural hearing impairment; Sensorineural Deafness. Identifiers: MedGen C0018784, MeSH D006319, MONDO:0020678, HP:0000407.
Seizure. Also called: Seizures. Identifiers: MedGen C0036572, HP:0001250.

Allele frequency attached by ClinVar (database versions not stated): gnomAD 0.00001.

Submissions (2):

Laboratorio de Genetica e Diagnostico Molecular, Hospital Israelita Albert Einstein
Classification: Uncertain significance for Sensorineural hearing loss disorder; Global developmental delay; Seizure; Hepatomegaly; Hypoglycemia. Last evaluated: 2021-06-23. Review status: criteria provided, single submitter. Criteria: ACMG Guidelines, 2015. Collection method: clinical testing. Allele origin: germline. Affected: yes.
Comment: ACMG classification criteria: PM2 moderate, PP3 supporting

Natera, Inc.
Classification: Uncertain significance for Usher syndrome type 1B. Last evaluated: 2025-03-30. Review status: no assertion criteria provided. Collection method: clinical testing. Allele origin: germline. Not counted in ClinVar's aggregate classification.

NM_000260.4(MYO7A):c.3833C>T (p.Thr1278Ile)

Gene: MYO7A (myosin VIIA; plus strand). Cytogenetic location: 11q13.5.
Variant type: single nucleotide variant.
Coding change: c.3833C>T on transcript NM_000260.4 (MANE Select); coding-DNA position 3833, C replaced by T.
Protein change: p.Thr1278Ile; replaces threonine 1278 with isoleucine.
Molecular consequence: missense variant.
Genome position (GRCh38, 1-based): chr11:77,190,779, C>T. VCF-style: chr11-77190779-C-T. GRCh37 (hg19) VCF-style: chr11-76901824-C-T.
Other names: c.3833C>T, p.Thr1278Ile (NM_001127180.2); c.3800C>T, p.Thr1267Ile (NM_001369365.1); c.3833C>T (NM_000260.3); short protein forms T1267I, T1278I.
Identifiers: ClinVar variation 1683776 (VCV001683776.3), dbSNP rs1956003348, ClinGen allele CA381947652.